The following is an entry in ClinVar:

NM_001130438.3(SPTAN1):c.2233C>A (p.Gln745Lys)

Gene: SPTAN1 (spectrin alpha, non-erythrocytic 1; plus strand). Cytogenetic location: 9q34.11.
Variant type: single nucleotide variant.
Coding change: c.2233C>A on transcript NM_001130438.3 (MANE Select); coding-DNA position 2233, C replaced by A.
Protein change: p.Gln745Lys; replaces glutamine 745 with lysine.
Molecular consequence: missense variant.
Genome position (GRCh38, 1-based): chr9:128,584,321, C>A. VCF-style: chr9-128584321-C-A. GRCh37 (hg19) VCF-style: chr9-131346600-C-A.
Other names: p.Q745K:CAA>AAA; c.2233C>A, p.Gln745Lys (NM_001195532.2, NM_001363759.2, NM_001363765.2 and 1 more transcripts); short protein forms Q745K.
Identifiers: ClinVar variation 207267 (VCV000207267.28), dbSNP rs769094437, ClinGen allele CA318575.

ClinVar aggregate classification (germline): Conflicting classifications of pathogenicity. Review status: criteria provided, conflicting classifications (1 of 4 stars). 8 submissions from 8 submitters: Uncertain significance (1); Benign (3); Likely benign (3). 1 of the submissions does not count toward it. Last evaluated 2026-03-01.

Conditions:
SPTAN1-related disorder. Also called: SPTAN1-related disorders; SPTAN1-related condition.
Early-infantile DEE. Also called: Ohtahara syndrome; Early infantile epileptic encephalopathy; Early infantile epileptic encephalopathy with suppression bursts. Identifiers: Orphanet 1934, MedGen C0393706, MONDO:0800491.
Inborn genetic diseases. Identifiers: MedGen C0950123, MeSH D030342.
Developmental and epileptic encephalopathy, 5 (DEE5). Identifiers: Orphanet 3451, MedGen C3150731, MONDO:0013277, OMIM 613477.

Allele frequency attached by ClinVar (database versions not stated): gnomAD 0.00007 and 0.00008; gnomAD exomes 0.00012 and 0.00063; TOPMed 0.00025; ExAC 0.00060.
gnomAD v4.1: 183 of 1,614,074 alleles (0.011%); highest among the groups gnomAD compares: Admixed American, 0.31%; no homozygotes.

Submissions (8):

CeGaT Center for Human Genetics Tuebingen
Classification: Likely benign. Last evaluated: 2026-03-01. Review status: criteria provided, single submitter. Criteria: CeGaT Center For Human Genetics Tuebingen Variant Classification Criteria Version 2. Collection method: clinical testing. Allele origin: germline. Affected: yes. Observed: 2 variant alleles.
Comment: SPTAN1: BS1

Labcorp Genetics (formerly Invitae), Labcorp
Classification: Benign for Early-infantile DEE. Last evaluated: 2026-01-08. Review status: criteria provided, single submitter. Criteria: Invitae Variant Classification Sherloc (09022015). Collection method: clinical testing. Allele origin: germline.

Genome-Nilou Lab
Classification: Benign for Developmental and epileptic encephalopathy, 5. Last evaluated: 2021-07-15. Review status: criteria provided, single submitter. Criteria: ACMG Guidelines, 2015. Collection method: clinical testing. Allele origin: germline. Affected: no.

Blueprint Genetics
Classification: Likely benign. Last evaluated: 2020-05-06. Review status: criteria provided, single submitter. Criteria: ACMG Guidelines, 2015. Collection method: clinical testing. Allele origin: germline.

GeneDx
Classification: Benign. Last evaluated: 2019-04-30. Review status: criteria provided, single submitter. Criteria: GeneDx Variant Classification Process June 2021. Collection method: clinical testing. Allele origin: germline. Affected: yes.

Ambry Genetics
Classification: Uncertain significance for Inborn genetic diseases. Last evaluated: 2017-06-16. Review status: criteria provided, single submitter. Criteria: Ambry Variant Classification Scheme 2023. Collection method: clinical testing. Allele origin: germline.
Comment: The p.Q745K variant (also known as c.2233C>A), located in coding exon 16 of the SPTAN1 gene, results from a C to A substitution at nucleotide position 2233. The glutamine at codon 745 is replaced by lysine, an amino acid with similar properties. This amino acid position is highly conserved in available vertebrate species. In addition, this alteration is predicted to be tolerated by in silico analysis. Since supporting evidence is limited at this time, the clinical significance of this alteration remains unclear.

Eurofins Ntd Llc (ga)
Classification: Likely benign. Last evaluated: 2017-04-14. Review status: criteria provided, single submitter. Criteria: EGL Classification Definitions 2015. Collection method: clinical testing. Allele origin: germline. Observed: 1 variant allele, 1 heterozygote.

PreventionGenetics, part of Exact Sciences
Classification: Benign for SPTAN1-related condition. Last evaluated: 2019-07-18. Review status: no assertion criteria provided. Collection method: clinical testing. Allele origin: germline. Not counted in ClinVar's aggregate classification.
Comment: This variant is classified as benign based on ACMG/AMP sequence variant interpretation guidelines (Richards et al. 2015 PMID: 25741868, with internal and published modifications).